The following is an entry in ClinVar:

NM_001903.5(CTNNA1):c.2503G>A (p.Ala835Thr)

Gene: CTNNA1 (catenin alpha 1; plus strand). Cytogenetic location: 5q31.2.
Variant type: single nucleotide variant.
Coding change: c.2503G>A on transcript NM_001903.5 (MANE Select); coding-DNA position 2503, G replaced by A.
Protein change: p.Ala835Thr; replaces alanine 835 with threonine.
Molecular consequence: missense variant. On other transcripts: 3 prime UTR variant (5).
Genome position (GRCh38, 1-based): chr5:138,933,871, G>A. VCF-style: chr5-138933871-G-A. GRCh37 (hg19) VCF-style: chr5-138269560-G-A.
Other names: c.2503G>A, p.Ala835Thr (NM_001323984.2, NM_001323982.2, NM_001323983.1); c.2476G>A, p.Ala826Thr (NM_001323985.2); c.2410G>A, p.Ala804Thr (NM_001323986.2); c.1393G>A, p.Ala465Thr (NM_001323987.1, NM_001323988.1, NM_001323989.1 and 12 more transcripts); c.1258G>A, p.Ala420Thr (NM_001324001.1); c.*48G>A (NM_001324002.1, NM_001324003.1, NM_001324004.1 and 2 more transcripts); c.1054G>A, p.Ala352Thr (NM_001324006.1, NM_001324007.1, NM_001324008.1 and 2 more transcripts); c.1300G>A, p.Ala434Thr (NM_001324011.1); and 4 more; short protein forms A352T, A384T, A420T, A434T, A465T, A712T, A732T, A804T.
Identifiers: ClinVar variation 1020762 (VCV001020762.9), dbSNP rs924303936, ClinGen allele CA128225442.

ClinVar aggregate classification (germline): Uncertain significance. Review status: criteria provided, multiple submitters, no conflicts (2 of 4 stars). 2 submissions from 2 submitters: Uncertain significance (2). Last evaluated 2025-04-27.

Conditions:
Hereditary cancer-predisposing syndrome. Also called: Tumor predisposition; Neoplastic Syndromes, Hereditary; Hereditary neoplastic syndrome; Hereditary Cancer Syndrome. Identifiers: Orphanet 140162, MedGen C0027672, MeSH D009386, MONDO:0015356.

Allele frequency attached by ClinVar (database versions not stated): TOPMed 0.00001.
gnomAD v4.1: 1 of 1,614,156 alleles (0.000062%); highest among the groups gnomAD compares: Non-Finnish European, 0.000085%; no homozygotes.

Submissions (2):

Labcorp Genetics (formerly Invitae), Labcorp
Classification: Uncertain significance. Last evaluated: 2025-04-27. Review status: criteria provided, single submitter. Criteria: Invitae Variant Classification Sherloc (09022015). Collection method: clinical testing. Allele origin: germline.
Comment: This sequence change replaces alanine, which is neutral and non-polar, with threonine, which is neutral and polar, at codon 835 of the CTNNA1 protein (p.Ala835Thr). This variant is not present in population databases (gnomAD no frequency). This variant has not been reported in the literature in individuals affected with CTNNA1-related conditions. ClinVar contains an entry for this variant (Variation ID: 1020762). Invitae Evidence Modeling of protein sequence and biophysical properties (such as structural, functional, and spatial information, amino acid conservation, physicochemical variation, residue mobility, and thermodynamic stability) indicates that this missense variant is not expected to disrupt CTNNA1 protein function with a negative predictive value of 80%. In summary, the available evidence is currently insufficient to determine the role of this variant in disease. Therefore, it has been classified as a Variant of Uncertain Significance.

Ambry Genetics
Classification: Uncertain significance for Hereditary cancer-predisposing syndrome. Last evaluated: 2025-01-09. Review status: criteria provided, single submitter. Criteria: Ambry Variant Classification Scheme 2023. Collection method: clinical testing. Allele origin: germline.
Comment: The p.A835T variant (also known as c.2503G>A), located in coding exon 17 of the CTNNA1 gene, results from a G to A substitution at nucleotide position 2503. The alanine at codon 835 is replaced by threonine, an amino acid with similar properties. This amino acid position is conserved. In addition, this alteration is predicted to be tolerated by in silico analysis. Based on the available evidence, the clinical significance of this variant remains unclear.